The following is an entry in ClinVar:

ClinVar aggregate classification (germline): Uncertain significance (1 of 4 stars; one submission).

Conditions:
Primary ciliary dyskinesia. Also called: Ciliary dyskinesia. Identifiers: Orphanet 244, MedGen C0008780, MONDO:0016575, HP:0012265.

Submission:

Labcorp Genetics (formerly Invitae), Labcorp
Classification: Uncertain significance for Primary ciliary dyskinesia. Last evaluated: 2016-05-20. Review status: criteria provided, single submitter. Criteria: Invitae Variant Classification Sherloc (09022015). Collection method: clinical testing. Allele origin: germline.
Comment: In summary, this variant is a novel missense change that is not predicted to affect protein function. There is no indication that it causes disease, but the available evidence is currently insufficient to prove that conclusively. Therefore, it has been classified as a Variant of Uncertain Significance. Algorithms developed to predict the effect of missense changes on protein structure and function (SIFT, PolyPhen-2, Align-GVGD) all suggest that this variant is likely to be tolerated, but these predictions have not been confirmed by published functional studies. This variant is not present in population databases (ExAC no frequency) and has not been reported in the literature in individuals with a DNAAF5-related disease. This sequence change replaces glutamine with arginine at codon 214 of the DNAAF5 protein (p.Gln214Arg). The glutamine residue is moderately conserved and there is a small physicochemical difference between glutamine and arginine.

NM_017802.4(DNAAF5):c.641A>G (p.Gln214Arg)

Gene: DNAAF5 (dynein axonemal assembly factor 5; plus strand). Cytogenetic location: 7p22.3.
Variant type: single nucleotide variant.
Coding change: c.641A>G on transcript NM_017802.4 (MANE Select); coding-DNA position 641, A replaced by G.
Protein change: p.Gln214Arg; replaces glutamine 214 with arginine.
Molecular consequence: missense variant.
Genome position (GRCh38, 1-based): chr7:729,708, A>G. VCF-style: chr7-729708-A-G. GRCh37 (hg19) VCF-style: chr7-769345-A-G.
Other names: short protein forms Q214R.
Identifiers: ClinVar variation 410298 (VCV000410298.9), dbSNP rs1060502834, ClinGen allele CA16612296.